The following is an entry in ClinVar:

ClinVar aggregate classification (germline): Pathogenic (1 of 4 stars; one submission).

Conditions:
3-methylcrotonyl-CoA carboxylase 2 deficiency. Also called: METHYLCROTONYLGLYCINURIA, TYPE II; 3 alpha methylcrotonyl-CoA carboxylase 2 deficiency; 3 alpha methylcrotonylglycinuria 2; MCC 2 deficiency; Methylcrotonylglycinuria type 2. Identifiers: Orphanet 6, MedGen C1859499, MONDO:0008862, OMIM 210210.

Submission:

Labcorp Genetics (formerly Invitae), Labcorp
Classification: Pathogenic for 3-methylcrotonyl-CoA carboxylase 2 deficiency. Last evaluated: 2021-09-07. Review status: criteria provided, single submitter. Criteria: Invitae Variant Classification Sherloc (09022015). Collection method: clinical testing. Allele origin: germline.
Comment: This variant is a gross deletion of the genomic region encompassing exon(s) 5-8 of the MCCC2 gene. This variant would be expected to be in-frame, preserving the integrity of the reading frame. This variant has not been reported in the literature in individuals affected with MCCC2-related conditions. This variant disrupts a region of the MCCC2 protein in which other variant(s) (p.Arg155Trp) have been determined to be pathogenic (PMID: 16010683, 22642865, 26566957). This suggests that this is a clinically significant region of the protein, and that variants that disrupt it are likely to be disease-causing. For these reasons, this variant has been classified as Pathogenic.

Literature cited by the submitters: PubMed 16010683; PubMed 22642865; PubMed 26566957.

NC_000005.9:g.(?_70898323)_(70928022_?)del

Gene: MCCC2 (methylcrotonyl-CoA carboxylase subunit 2; plus strand). Cytogenetic location: 5q13.2.
Variant type: Deletion.
Identifiers: ClinVar variation 1459230 (VCV001459230.3).